The following is an entry in ClinVar:

NM_001384140.1(PCDH15):c.1717del (p.Glu572_Met573insTer)

Gene: PCDH15 (protocadherin related 15; minus strand). Cytogenetic location: 10q21.1.
Variant type: Deletion.
Coding change: c.1717del on transcript NM_001384140.1 (MANE Select); coding-DNA position 1717, one base deleted (A; older notation c.1717delA).
Protein change: p.Glu572_Met573insTer.
Molecular consequence: nonsense. On other transcripts: frameshift variant (1).
Genome position (GRCh38, 1-based): chr10:54,153,167, T deleted on the plus strand (A on the coding strand, the reverse complement: PCDH15 is on the minus strand); the first of 3 consecutive T bases (chr10:54,153,167-54,153,169); deleting any one gives the same sequence. VCF-style (leftmost placement, unchanged base first): chr10-54153166-AT-A. GRCh37 (hg19) VCF-style: chr10-55912926-AT-A.
Other names: c.1732del, p.Glu577_Met578insTer (NM_001142763.2, NM_001142771.2); c.1717del, p.Glu572_Met573insTer (NM_001142764.2, NM_001142765.2, NM_001142766.2 and 6 more transcripts); c.1606del, p.Glu535_Met536insTer (NM_001142767.2); c.1651del, p.Glu550_Met551insTer (NM_001142768.2, NM_001142773.2, NM_001354404.2); c.1751delA, p.Met585Terfs (NM_001142769.4); c.1738del, p.Glu579_Met580insTer (NM_001354411.2).
Identifiers: ClinVar variation 2850174 (VCV002850174.3), dbSNP rs2539027066, ClinGen allele CA2739265424.

ClinVar aggregate classification (germline): Pathogenic (1 of 4 stars; one submission).

Submission:

Labcorp Genetics (formerly Invitae), Labcorp
Classification: Pathogenic. Last evaluated: 2023-03-27. Review status: criteria provided, single submitter. Criteria: Invitae Variant Classification Sherloc (09022015). Collection method: clinical testing. Allele origin: germline.
Comment: This sequence change creates a premature translational stop signal (p.Met573*) in the PCDH15 gene. It is expected to result in an absent or disrupted protein product. Loss-of-function variants in PCDH15 are known to be pathogenic (PMID: 11398101, 11487575, 14570705). This variant is not present in population databases (gnomAD no frequency). This variant has not been reported in the literature in individuals affected with PCDH15-related conditions. For these reasons, this variant has been classified as Pathogenic.

Literature cited by the submitters: PubMed 11398101; PubMed 11487575; PubMed 14570705.